The following is an entry in ClinVar:

ClinVar aggregate classification (germline): Benign. Review status: criteria provided, multiple submitters, no conflicts (2 of 4 stars). 4 submissions from 4 submitters: Benign (3). 1 of the submissions does not count toward it. Last evaluated 2026-02-02.

Conditions:
Transcobalamin II deficiency (TCN2D). Also called: TC II DEFICIENCY; TCN2 DEFICIENCY; Transcolabamin II deficiency. Identifiers: Orphanet 859, MedGen C0342701, MONDO:0010149, OMIM 275350.
TCN2-related disorder. Also called: TCN2-related condition.

Allele frequency attached by ClinVar (database versions not stated): ESP Exome Variant Server 0.00008; gnomAD 0.00255; ExAC 0.00269; gnomAD exomes 0.00274; TOPMed 0.00781; 1000 Genomes Project 30x 0.00843; 1000 Genomes Project 0.00998.
gnomAD v4.1: 1,714 of 1,614,076 alleles (0.11%); highest among the groups gnomAD compares: East Asian, 3.6%; 44 homozygotes.

Submissions (4):

Labcorp Genetics (formerly Invitae), Labcorp
Classification: Benign for Transcobalamin II deficiency. Last evaluated: 2026-02-02. Review status: criteria provided, single submitter. Criteria: Invitae Variant Classification Sherloc (09022015). Collection method: clinical testing. Allele origin: germline.

Illumina Laboratory Services, Illumina
Classification: Benign for Transcobalamin II deficiency. Last evaluated: 2018-01-13. Review status: criteria provided, single submitter. Criteria: ICSL Variant Classification Criteria 13 December 2019. Collection method: clinical testing. Allele origin: germline.
Comment: This variant was observed in the ICSL laboratory as part of a predisposition screen in an ostensibly healthy population. It had not been previously curated by ICSL or reported in the Human Gene Mutation Database (HGMD: prior to June 1st, 2018), and was therefore a candidate for classification through an automated scoring system. Utilizing variant allele frequency, disease prevalence and penetrance estimates, and inheritance mode, an automated score was calculated to assess if this variant is too frequent to cause the disease. Based on the score and internal cut-off values, a variant classified as benign is not then subjected to further curation. The score for this variant resulted in a classification of benign for this disease.

Breakthrough Genomics
Classification: Benign. Review status: criteria provided, single submitter. Criteria: ACMG Guidelines, 2015. Collection method: not provided. Allele origin: germline. Inheritance: Autosomal recessive inheritance. Affected: yes.

PreventionGenetics, part of Exact Sciences
Classification: Benign for TCN2-related condition. Last evaluated: 2022-11-03. Review status: no assertion criteria provided. Collection method: clinical testing. Allele origin: germline. Not counted in ClinVar's aggregate classification.
Comment: This variant is classified as benign based on ACMG/AMP sequence variant interpretation guidelines (Richards et al. 2015 PMID: 25741868, with internal and published modifications).

NM_000355.4(TCN2):c.230A>T (p.Lys77Met)

Gene: TCN2 (transcobalamin 2; plus strand). Cytogenetic location: 22q12.2.
Variant type: single nucleotide variant.
Coding change: c.230A>T on transcript NM_000355.4 (MANE Select); coding-DNA position 230, A replaced by T.
Protein change: p.Lys77Met; replaces lysine 77 with methionine.
Molecular consequence: missense variant.
Genome position (GRCh38, 1-based): chr22:30,611,036, A>T. VCF-style: chr22-30611036-A-T. GRCh37 (hg19) VCF-style: chr22-31007023-A-T.
Other names: c.230A>T, p.Lys77Met (NM_001184726.2); short protein forms K77M.
Identifiers: ClinVar variation 341190 (VCV000341190.18), dbSNP rs75680863, ClinGen allele CA10184523.